The following is an entry in ClinVar:

NM_000090.4(COL3A1):c.1667G>T (p.Ser556Ile)

Gene: COL3A1 (collagen type III alpha 1 chain; plus strand). Cytogenetic location: 2q32.2.
Variant type: single nucleotide variant.
Coding change: c.1667G>T on transcript NM_000090.4 (MANE Select); coding-DNA position 1667, G replaced by T.
Protein change: p.Ser556Ile; replaces serine 556 with isoleucine.
Molecular consequence: missense variant.
Genome position (GRCh38, 1-based): chr2:188,996,402, G>T. VCF-style: chr2-188996402-G-T. GRCh37 (hg19) VCF-style: chr2-189861128-G-T.
Other names: short protein forms S556I.
Identifiers: ClinVar variation 2738857 (VCV002738857.3), dbSNP rs1688319466, ClinGen allele CA349852556.

ClinVar aggregate classification (germline): Uncertain significance (1 of 4 stars; one submission).

Conditions:
Ehlers-Danlos syndrome, type 4 (EDSVASC). Also called: Ehlers-Danlos Syndrome Type IV; Ehlers-Danlos syndrome vascular type; Ehlers Danlos syndrome, ecchymotic type; Ehlers Danlos syndrome, arterial type; Ehlers Danlos syndrome, Sack-Barabas type. Identifiers: Orphanet 286, MedGen C0268338, MONDO:0017314, OMIM 130050.

Submission:

Labcorp Genetics (formerly Invitae), Labcorp
Classification: Uncertain significance for Ehlers-Danlos syndrome, type 4. Last evaluated: 2024-01-04. Review status: criteria provided, single submitter. Criteria: Invitae Variant Classification Sherloc (09022015). Collection method: clinical testing. Allele origin: germline.
Comment: This sequence change replaces serine, which is neutral and polar, with isoleucine, which is neutral and non-polar, at codon 556 of the COL3A1 protein (p.Ser556Ile). This variant is not present in population databases (gnomAD no frequency). This variant has not been reported in the literature in individuals affected with COL3A1-related conditions. Advanced modeling of protein sequence and biophysical properties (such as structural, functional, and spatial information, amino acid conservation, physicochemical variation, residue mobility, and thermodynamic stability) performed at Invitae indicates that this missense variant is not expected to disrupt COL3A1 protein function with a negative predictive value of 95%. In summary, the available evidence is currently insufficient to determine the role of this variant in disease. Therefore, it has been classified as a Variant of Uncertain Significance.